The following is an entry in ClinVar:

ClinVar aggregate classification (germline): Pathogenic. Review status: criteria provided, multiple submitters, no conflicts (2 of 4 stars). 2 submissions from 2 submitters: Pathogenic (2). Last evaluated 2025-06-17.

Conditions:
Polyglandular autoimmune syndrome, type 1 (APS1). Also called: APS I; Whitaker syndrome; HYPOADRENOCORTICISM WITH HYPOPARATHYROIDISM AND SUPERFICIAL MONILIASIS; PGA I; Autoimmune polyendocrine syndrome type 1; AUTOIMMUNE POLYENDOCRINE SYNDROME, TYPE I, WITH OR WITHOUT REVERSIBLE METAPHYSEAL DYSPLASIA. Identifiers: Orphanet 3453, MedGen C0085859, MONDO:0009411, OMIM 240300.

Submissions (2):

Massaad Lab, American University of Beirut
Classification: Pathogenic for Polyglandular autoimmune syndrome, type 1. Last evaluated: 2025-06-17. Review status: criteria provided, single submitter. Criteria: ACMG Guidelines, 2015. Collection method: research. Allele origin: germline. Inheritance: Autosomal recessive inheritance. Affected: yes. Observed: 7 homozygotes.
Comment: NM_000383.4(AIRE):c.199_202delinsTGG (p.Leu67TrpfsTer80) is a deletion-insertion producing a frameshift, which creates a premature translational stop signal and is expected to result in an absent or disrupted protein through nonsense-mediated decay. Loss of function is an established mechanism of disease for AIRE in autosomal recessive APS-1/APECED. This variant is absent from population databases (gnomAD) and was identified in individuals with a clinical presentation highly specific for APS-1. This variant is classified as Pathogenic.

GeneDx
Classification: Pathogenic. Last evaluated: 2016-07-05. Review status: criteria provided, single submitter. Criteria: GeneDx Variant Classification (06012015). Collection method: clinical testing. Allele origin: germline. Affected: yes.
Comment: The c.199_202delCTGAinsTGG pathogenic variant in the AIRE gene causes a frameshift starting with codon Leucine 67, changes this amino acid to a Tryptophan residue and creates a premature Stop codon at position 149 of the new reading frame, denoted p.Leu67TrpfsX149. This pathogenic variant is predicted to cause loss of normal protein function either through protein truncation or nonsense-mediated mRNA decay. The variant was not observed in approximately 6,500 individuals of European and African American ancestry in the NHLBI Exome Sequencing Project, indicating it is not a common benign variant in these populations.

NM_000383.4(AIRE):c.199_202delinsTGG (p.Leu67fs)

Gene: AIRE (autoimmune regulator; plus strand). Cytogenetic location: 21q22.3.
Variant type: Indel.
Coding change: c.199_202delinsTGG on transcript NM_000383.4 (MANE Select); coding-DNA positions 199 to 202, CTGA replaced by TGG.
Protein change: p.Leu67fs; shifts the reading frame from leucine 67.
Molecular consequence: frameshift variant.
Genome position (GRCh38, 1-based): chr21:44,286,623-44,286,626, CTGA replaced by TGG. VCF-style: chr21-44286623-CTGA-TGG. GRCh37 (hg19) VCF-style: chr21-45706506-CTGA-TGG.
Other names: NP_000374.1:p.Leu67TrpfsTer80; c.199_202delCTGAinsTGG (LRG_18t1); short protein forms L67fs.
Identifiers: ClinVar variation 279673 (VCV000279673.3), dbSNP rs886041123, ClinGen allele CA10603501.